The following is an entry in ClinVar:

ClinVar aggregate classification (germline): Uncertain significance. Review status: criteria provided, multiple submitters, no conflicts (2 of 4 stars). 3 submissions from 3 submitters: Uncertain significance (3). Last evaluated 2025-05-14.

Conditions:
Leukocyte adhesion deficiency 3. Also called: Leukocyte adhesion deficiency, type III; INTEGRIN ACTIVATION DEFICIENCY DISEASE; LEUKOCYTE ADHESION DEFICIENCY 1 VARIANT. Identifiers: Orphanet 2968, Orphanet 99844, MedGen C2748536, MONDO:0013016, OMIM 612840.
Inborn genetic diseases. Identifiers: MedGen C0950123, MeSH D030342.

Allele frequency attached by ClinVar (database versions not stated): gnomAD exomes below 0.00001.
gnomAD v4.1: 7 of 1,612,254 alleles (0.00043%); highest among the groups gnomAD compares: Admixed American, 0.0017%; no homozygotes.

Submissions (3):

Ambry Genetics
Classification: Uncertain significance for Inborn genetic diseases. Last evaluated: 2025-05-14. Review status: criteria provided, single submitter. Criteria: Ambry Variant Classification Scheme 2023. Collection method: clinical testing. Allele origin: germline.

Labcorp Genetics (formerly Invitae), Labcorp
Classification: Uncertain significance for Leukocyte adhesion deficiency 3. Last evaluated: 2022-03-06. Review status: criteria provided, single submitter. Criteria: Invitae Variant Classification Sherloc (09022015). Collection method: clinical testing. Allele origin: germline.
Comment: This variant is present in population databases (no rsID available, gnomAD 0.01%). In summary, the available evidence is currently insufficient to determine the role of this variant in disease. Therefore, it has been classified as a Variant of Uncertain Significance. Algorithms developed to predict the effect of missense changes on protein structure and function are either unavailable or do not agree on the potential impact of this missense change (SIFT: "Deleterious"; PolyPhen-2: "Possibly Damaging"; Align-GVGD: "Class C0"). This variant has not been reported in the literature in individuals affected with FERMT3-related conditions. This sequence change replaces arginine, which is basic and polar, with histidine, which is basic and polar, at codon 538 of the FERMT3 protein (p.Arg538His).

Mayo Clinic Laboratories, Mayo Clinic
Classification: Uncertain significance. Last evaluated: 2021-07-07. Review status: criteria provided, single submitter. Criteria: ACMG Guidelines, 2015. Collection method: clinical testing. Allele origin: germline.

NM_031471.6(FERMT3):c.1613G>A (p.Arg538His)

Gene: FERMT3 (FERM domain containing kindlin 3; plus strand). Cytogenetic location: 11q13.1.
Variant type: single nucleotide variant.
Coding change: c.1613G>A on transcript NM_031471.6 (MANE Select); coding-DNA position 1613, G replaced by A.
Protein change: p.Arg538His; replaces arginine 538 with histidine.
Molecular consequence: missense variant.
Genome position (GRCh38, 1-based): chr11:64,221,083, G>A. VCF-style: chr11-64221083-G-A. GRCh37 (hg19) VCF-style: chr11-63988555-G-A.
Other names: p.Arg538His; c.1613G>A, p.Arg538His (NM_001382361.1, NM_001382448.1); c.1625G>A, p.Arg542His (NM_001382362.1, NM_178443.3); c.1073G>A, p.Arg358His (NM_001382363.1); c.1085G>A, p.Arg362His (NM_001382364.1); short protein forms R358H, R362H, R538H, R542H.
Identifiers: ClinVar variation 1694053 (VCV001694053.10), dbSNP rs1205153436, ClinGen allele CA381088790.